The following is an entry in ClinVar:

ClinVar aggregate classification (germline): Uncertain significance (1 of 4 stars; one submission).

Conditions:
Long QT syndrome (LQTS). Identifiers: MedGen C0023976, MeSH D008133, MONDO:0002442. Disease mechanism: loss of function. Inheritance: Various modes of inheritance.

Allele frequency attached by ClinVar (database versions not stated): TOPMed 0.00001.

Submission:

All of Us Research Program, National Institutes of Health
Classification: Uncertain significance for Long QT syndrome. Last evaluated: 2023-03-28. Review status: criteria provided, single submitter. Criteria: ACMG Guidelines, 2015. Collection method: clinical testing. Allele origin: germline. Inheritance: Autosomal dominant inheritance. Observed: 1 variant allele, 1 heterozygote.
Comment: This study involves interpretation of variants in research participants for the purpose of population health screening. Participant phenotype was not available at the time of variant classification. Additional details can be found in publication PMID: 35346344, PMCID: PMC8962531

NM_000238.4(KCNH2):c.1160A>G (p.Glu387Gly)

Gene: KCNH2 (potassium voltage-gated channel subfamily H member 2; minus strand). Cytogenetic location: 7q36.1.
Variant type: single nucleotide variant.
Coding change: c.1160A>G on transcript NM_000238.4 (MANE Select); coding-DNA position 1160, A replaced by G.
Protein change: p.Glu387Gly; replaces glutamic acid 387 with glycine.
Molecular consequence: missense variant. On other transcripts: non-coding transcript variant (2).
Genome position (GRCh38, 1-based): chr7:150,952,822, T>C on the plus strand (A>G on the coding strand, the complement: KCNH2 is on the minus strand). VCF-style: chr7-150952822-T-C. GRCh37 (hg19) VCF-style: chr7-150649910-T-C.
Other names: c.140A>G, p.Glu47Gly (NM_001204798.2, NM_172057.3); c.872A>G, p.Glu291Gly (NM_001406753.1, NM_001406756.1); c.983A>G, p.Glu328Gly (NM_001406755.1); c.860A>G, p.Glu287Gly (NM_001406757.1); c.1160A>G, p.Glu387Gly (NM_172056.3); short protein forms E287G, E291G, E328G, E387G, E47G.
Identifiers: ClinVar variation 3070009 (VCV003070009.1), dbSNP rs1801234207, ClinGen allele CA369860314.
Genomic context (GRCh38, chr7:150,952,822, plus strand): 5'-TTGAAGGGGCTGTAATGCAGGATGGTCCAGCGGTGGATGCGCGGTGCCTGCAGCTTGTAC[T>C]CAGGCAGCACGTCGGCGCCCAGGGACAGGACCTGCACCCGGGGAAGGCGGAGGTGTGGGT-3'
Protein context (NP_000229.1, residues 377-397): VLSLGADVLP[Glu387Gly]YKLQAPRIHR